The following is an entry in ClinVar:

ClinVar aggregate classification (germline): Uncertain significance. Review status: criteria provided, multiple submitters, no conflicts (2 of 4 stars). 3 submissions from 3 submitters: Uncertain significance (3). Last evaluated 2026-01-21.

Conditions:
MAGEL2-related disorder. Also called: MAGEL2-related condition.
Inborn genetic diseases. Identifiers: MedGen C0950123, MeSH D030342.

Allele frequency attached by ClinVar (database versions not stated): TOPMed 0.00001; ExAC 0.00003.
gnomAD v4.1: 2 of 1,590,426 alleles (0.00013%); highest among the groups gnomAD compares: South Asian, 0.0023%; no homozygotes.

Submissions (3):

Ambry Genetics
Classification: Uncertain significance for Inborn genetic diseases. Last evaluated: 2026-01-21. Review status: criteria provided, single submitter. Criteria: Ambry Variant Classification Scheme 2023. Collection method: clinical testing. Allele origin: germline.

Labcorp Genetics (formerly Invitae), Labcorp
Classification: Uncertain significance. Last evaluated: 2025-07-14. Review status: criteria provided, single submitter. Criteria: Invitae Variant Classification Sherloc (09022015). Collection method: clinical testing. Allele origin: germline.
Comment: This sequence change replaces glutamic acid, which is acidic and polar, with glutamine, which is neutral and polar, at codon 646 of the MAGEL2 protein (p.Glu646Gln). The frequency data for this variant in the population databases is considered unreliable, as metrics indicate poor data quality at this position in the gnomAD database. This variant has not been reported in the literature in individuals affected with MAGEL2-related conditions. ClinVar contains an entry for this variant (Variation ID: 1945046). Invitae Evidence Modeling of protein sequence and biophysical properties (such as structural, functional, and spatial information, amino acid conservation, physicochemical variation, residue mobility, and thermodynamic stability) indicates that this missense variant is not expected to disrupt MAGEL2 protein function with a negative predictive value of 80%. In summary, the available evidence is currently insufficient to determine the role of this variant in disease. Therefore, it has been classified as a Variant of Uncertain Significance.

PreventionGenetics, part of Exact Sciences
Classification: Uncertain significance for MAGEL2-related condition. Last evaluated: 2025-04-09. Review status: criteria provided, single submitter. Criteria: ACMG Guidelines, 2015. Collection method: clinical testing. Allele origin: germline.
Comment: The MAGEL2 c.1936G>C variant is predicted to result in the amino acid substitution p.Glu646Gln. To our knowledge, this variant has not been reported in the literature. This variant is reported in 0.0038% of alleles in individuals of South Asian descent in gnomAD, however quality metrics indicate that the data is unreliable at this base. At this time, the clinical significance of this variant is uncertain due to the absence of conclusive functional and genetic evidence.

NM_019066.5(MAGEL2):c.1936G>C (p.Glu646Gln)

Gene: MAGEL2 (MAGE family member L2; minus strand). Cytogenetic location: 15q11.2.
Variant type: single nucleotide variant.
Coding change: c.1936G>C on transcript NM_019066.5 (MANE Select); coding-DNA position 1936, G replaced by C.
Protein change: p.Glu646Gln; replaces glutamic acid 646 with glutamine.
Molecular consequence: missense variant.
Genome position (GRCh38, 1-based): chr15:23,645,807, C>G on the plus strand (G>C on the coding strand, the complement: MAGEL2 is on the minus strand). VCF-style: chr15-23645807-C-G. GRCh37 (hg19) VCF-style: chr15-23890954-C-G.
Other names: c.1936G>C (NM_019066.4); short protein forms E646Q.
Identifiers: ClinVar variation 1945046 (VCV001945046.7), dbSNP rs769320966, ClinGen allele CA7429996.